The following is an entry in ClinVar:

NM_001037333.3(CYFIP2):c.3165G>A (p.Pro1055=)

Genes: CYFIP2 (cytoplasmic FMR1 interacting protein 2; plus strand), NIPAL4-DT (NIPAL4 divergent transcript; minus strand). Cytogenetic location: 5q33.3.
Variant type: single nucleotide variant.
Coding change: c.3165G>A on transcript NM_001037333.3 (MANE Select); coding-DNA position 3165, G replaced by A.
Protein change: p.Pro1055=; no amino-acid change (proline 1055 retained).
Molecular consequence: synonymous variant.
Genome position (GRCh38, 1-based): chr5:157,383,317, G>A. VCF-style: chr5-157383317-G-A. GRCh37 (hg19) VCF-style: chr5-156810325-G-A.
Other names: c.3087G>A, p.Pro1029= (NM_001291721.2); c.3240G>A, p.Pro1080= (NM_001291722.2); c.3165G>A, p.Pro1055= (NM_014376.4).
Identifiers: ClinVar variation 2184149 (VCV002184149.8), dbSNP rs778009198, ClinGen allele CA3534260.
Genomic context (GRCh38, chr5:157,383,317, plus strand): 5'-TTTTGCAGAGGGGGAGCGCCTGGAGGTCCGGATGAAACGTCTGGAAGCCAAGTATGCCCC[G>A]CTCCACCTGGTCCCTCTGATCGAGCGGCTGGGGACCCCTCAGGTACCAATCTTATATAAT-3'
Protein context (NP_001032410.1, residues 1045-1065): RMKRLEAKYA[Pro1055=]LHLVPLIERL

ClinVar aggregate classification (germline): Likely benign. Review status: criteria provided, multiple submitters, no conflicts (2 of 4 stars). 2 submissions from 2 submitters: Likely benign (2). Last evaluated 2026-01-01.

Allele frequency attached by ClinVar (database versions not stated): gnomAD 0.00001; gnomAD exomes 0.00001; ExAC 0.00005.
gnomAD v4.1: 15 of 1,613,738 alleles (0.00093%); highest among the groups gnomAD compares: Admixed American, 0.01%; no homozygotes.

Submissions (2):

CeGaT Center for Human Genetics Tuebingen
Classification: Likely benign. Last evaluated: 2026-01-01. Review status: criteria provided, single submitter. Criteria: CeGaT Center For Human Genetics Tuebingen Variant Classification Criteria Version 2. Collection method: clinical testing. Allele origin: germline. Affected: yes. Observed: 1 variant allele.
Comment: CYFIP2: BP4, BP7

Labcorp Genetics (formerly Invitae), Labcorp
Classification: Likely benign. Last evaluated: 2024-11-19. Review status: criteria provided, single submitter. Criteria: Invitae Variant Classification Sherloc (09022015). Collection method: clinical testing. Allele origin: germline.